The following is an entry in ClinVar:

ClinVar aggregate classification (germline): Uncertain significance (1 of 4 stars; one submission).

Conditions:
Hereditary cancer-predisposing syndrome. Also called: Hereditary neoplastic syndrome; Hereditary Cancer Syndrome; Neoplastic Syndromes, Hereditary; Tumor predisposition. Identifiers: Orphanet 140162, MedGen C0027672, MeSH D009386, MONDO:0015356.

Allele frequency attached by ClinVar (database versions not stated): gnomAD exomes below 0.00001; gnomAD 0.00001.
gnomAD v4.1: 2 of 1,613,726 alleles (0.00012%); highest among the groups gnomAD compares: South Asian, 0.0022%; no homozygotes.

Submission:

Ambry Genetics
Classification: Uncertain significance for Hereditary cancer-predisposing syndrome. Last evaluated: 2023-03-16. Review status: criteria provided, single submitter. Criteria: Ambry Variant Classification Scheme 2023. Collection method: clinical testing. Allele origin: germline.
Comment: The p.E224V variant (also known as c.671A>T), located in coding exon 5 of the FH gene, results from an A to T substitution at nucleotide position 671. The glutamic acid at codon 224 is replaced by valine, an amino acid with dissimilar properties. This amino acid position is well conserved in available vertebrate species. In addition, this alteration is predicted to be deleterious by in silico analysis. Since supporting evidence is limited at this time, the clinical significance of this alteration remains unclear.

NM_000143.4(FH):c.671A>T (p.Glu224Val)

Gene: FH (fumarate hydratase; minus strand). Cytogenetic location: 1q43.
Variant type: single nucleotide variant.
Coding change: c.671A>T on transcript NM_000143.4 (MANE Select); coding-DNA position 671, A replaced by T.
Protein change: p.Glu224Val; replaces glutamic acid 224 with valine.
Molecular consequence: missense variant.
Genome position (GRCh38, 1-based): chr1:241,508,670, T>A on the plus strand (A>T on the coding strand, the complement: FH is on the minus strand). VCF-style: chr1-241508670-T-A. GRCh37 (hg19) VCF-style: chr1-241671970-T-A.
Other names: short protein forms E224V.
Identifiers: ClinVar variation 2567070 (VCV002567070.2), dbSNP rs1659993034, ClinGen allele CA345439273.